The following is an entry in ClinVar:

ClinVar aggregate classification (germline): Uncertain significance (1 of 4 stars; one submission).

Submission:

Labcorp Genetics (formerly Invitae), Labcorp
Classification: Uncertain significance. Last evaluated: 2022-10-24. Review status: criteria provided, single submitter. Criteria: Invitae Variant Classification Sherloc (09022015). Collection method: clinical testing. Allele origin: germline.
Comment: In summary, the available evidence is currently insufficient to determine the role of this variant in disease. Therefore, it has been classified as a Variant of Uncertain Significance. Algorithms developed to predict the effect of missense changes on protein structure and function (SIFT, PolyPhen-2, Align-GVGD) all suggest that this variant is likely to be disruptive. This variant has not been reported in the literature in individuals affected with MPDZ-related conditions. This variant is not present in population databases (gnomAD no frequency). This sequence change replaces serine, which is neutral and polar, with arginine, which is basic and polar, at codon 590 of the MPDZ protein (p.Ser590Arg).

NM_001378778.1(MPDZ):c.1768A>C (p.Ser590Arg)

Gene: MPDZ (multiple PDZ domain crumbs cell polarity complex component; minus strand). Cytogenetic location: 9p23.
Variant type: single nucleotide variant.
Coding change: c.1768A>C on transcript NM_001378778.1 (MANE Select); coding-DNA position 1768, A replaced by C.
Protein change: p.Ser590Arg; replaces serine 590 with arginine.
Molecular consequence: missense variant.
Genome position (GRCh38, 1-based): chr9:13,193,202, T>G on the plus strand (A>C on the coding strand, the complement: MPDZ is on the minus strand). VCF-style: chr9-13193202-T-G. GRCh37 (hg19) VCF-style: chr9-13193201-T-G.
Other names: c.1768A>C, p.Ser590Arg (NM_001375424.1, NM_001375425.1, NM_001375426.1 and 14 more transcripts); short protein forms S590R.
Identifiers: ClinVar variation 2097462 (VCV002097462.4), dbSNP rs2494462357, ClinGen allele CA372939852.